The following is an entry in ClinVar:

ClinVar aggregate classification (germline): Uncertain significance (1 of 4 stars; one submission).

Conditions:
Multiple endocrine neoplasia, type 1 (MEN1). Also called: MEN I; WERMER SYNDROME; Endocrine adenomatosis multiple; MEN 1; MEA I. Identifiers: Orphanet 652, MedGen C0025267, MeSH D018761, MONDO:0007540, OMIM 131100.

Submission:

Labcorp Genetics (formerly Invitae), Labcorp
Classification: Uncertain significance for Multiple endocrine neoplasia, type 1. Last evaluated: 2019-07-08. Review status: criteria provided, single submitter. Criteria: Invitae Variant Classification Sherloc (09022015). Collection method: clinical testing. Allele origin: germline.
Comment: In summary, the available evidence is currently insufficient to determine the role of this variant in disease. Therefore, it has been classified as a Variant of Uncertain Significance. Algorithms developed to predict the effect of missense changes on protein structure and function are either unavailable or do not agree on the potential impact of this missense change (SIFT: "Deleterious"; PolyPhen-2: "Probably Damaging"; Align-GVGD: "Class C0"). This variant has not been reported in the literature in individuals with MEN1-related conditions. This variant is not present in population databases (ExAC no frequency). This sequence change replaces arginine with glycine at codon 355 of the MEN1 protein (p.Arg355Gly). The arginine residue is highly conserved and there is a moderate physicochemical difference between arginine and glycine.

NM_001370259.2(MEN1):c.1063C>G (p.Arg355Gly)

Gene: MEN1 (menin 1; minus strand). Cytogenetic location: 11q13.1.
Variant type: single nucleotide variant.
Coding change: c.1063C>G on transcript NM_001370259.2 (MANE Select); coding-DNA position 1063, C replaced by G.
Protein change: p.Arg355Gly; replaces arginine 355 with glycine.
Molecular consequence: missense variant.
Genome position (GRCh38, 1-based): chr11:64,805,757, G>C on the plus strand (C>G on the coding strand, the complement: MEN1 is on the minus strand). VCF-style: chr11-64805757-G-C. GRCh37 (hg19) VCF-style: chr11-64573229-G-C.
Other names: c.1078C>G, p.Arg360Gly (NM_130800.3, NM_130801.3, NM_130802.3 and 3 more transcripts); c.958C>G, p.Arg320Gly (NM_001370262.2, NM_001370263.2); c.1063C>G, p.Arg355Gly (NM_130799.3, NM_001370260.2, NM_001370261.2); c.1189C>G, p.Arg397Gly (NM_001370251.2); short protein forms R320G, R360G, R397G, R355G.
Identifiers: ClinVar variation 935504 (VCV000935504.9), dbSNP rs863224807, ClinGen allele CA381182918.